The following is an entry in ClinVar:

ClinVar aggregate classification (germline): Likely benign (0 of 4 stars; one submission).

Conditions:
ESRP1-related disorder. Also called: ESRP1-related condition.

Submission:

PreventionGenetics, part of Exact Sciences
Classification: Likely benign for ESRP1-related condition. Last evaluated: 2019-07-08. Review status: no assertion criteria provided. Collection method: clinical testing. Allele origin: germline.
Comment: This variant is classified as likely benign based on ACMG/AMP sequence variant interpretation guidelines (Richards et al. 2015 PMID: 25741868, with internal and published modifications).

NM_017697.4(ESRP1):c.*36-5_*36-4dup

Gene: ESRP1 (epithelial splicing regulatory protein 1; plus strand). Cytogenetic location: 8q22.1.
Variant type: Duplication.
Coding change: c.*36-5_*36-4dup on transcript NM_017697.4 (MANE Select); 5 bases into the intron before 36 bases downstream of the stop codon through 4 bases into the intron before 36 bases downstream of the stop codon, 2 bases duplicated (TT; older notation c.*36-5_*36-4dupTT).
Molecular consequence: intron variant.
Genome position (GRCh38, 1-based): chr8:94,705,920-94,705,921, TT duplicated; duplicating any 2 consecutive bases within chr8:94,705,904-94,705,921 gives the same sequence; the c. name uses the placement nearest the transcript's 3' end. VCF-style (leftmost placement, unchanged base first): chr8-94705903-C-CTT. GRCh37 (hg19) VCF-style: chr8-95718131-C-CTT.
Other names: c.1821-5_1821-4dup (NM_001122825.2); c.*36-5_*36-4dup (NM_001034915.3); c.1960-5_1960-4dup (NM_001122826.2); c.1809-5_1809-4dup (NM_001122827.2).
Identifiers: ClinVar variation 3044604 (VCV003044604.2), dbSNP rs55760931, ClinGen allele CA461902836.